The following is an entry in ClinVar:

ClinVar aggregate classification (germline): Uncertain significance. Review status: criteria provided, multiple submitters, no conflicts (2 of 4 stars). 2 submissions from 2 submitters: Uncertain significance (2). Last evaluated 2023-05-26.

Conditions:
Seizures, benign familial infantile, 3 (BFIS3). Also called: Familial neonatal seizures; CONVULSIONS, BENIGN FAMILIAL INFANTILE, 3. Identifiers: Orphanet 140927, Orphanet 306, MedGen C1843140, MONDO:0011904, OMIM 607745.
Developmental and epileptic encephalopathy, 11 (DEE11). Also called: Early infantile epileptic encephalopathy 11. Identifiers: Orphanet 1934, MedGen C3150987, MONDO:0013388, OMIM 613721.

Submissions (2):

GeneDx
Classification: Uncertain significance. Last evaluated: 2023-05-26. Review status: criteria provided, single submitter. Criteria: GeneDx Variant Classification Process June 2021. Collection method: clinical testing. Allele origin: germline. Affected: yes.
Comment: Not observed at significant frequency in large population cohorts (gnomAD); Missense variants in this gene are often considered pathogenic (HGMD); In silico analysis supports that this missense variant has a deleterious effect on protein structure/function; This substitution is predicted to be in the cytoplasmic loop between the first and second homologous domains; Has not been previously published as pathogenic or benign to our knowledge

Labcorp Genetics (formerly Invitae), Labcorp
Classification: Uncertain significance for Seizures, benign familial infantile, 3; Developmental and epileptic encephalopathy, 11. Last evaluated: 2019-02-04. Review status: criteria provided, single submitter. Criteria: Invitae Variant Classification Sherloc (09022015). Collection method: clinical testing. Allele origin: germline.
Comment: This variant has not been reported in the literature in individuals with SCN2A-related conditions. Algorithms developed to predict the effect of missense changes on protein structure and function are either unavailable or do not agree on the potential impact of this missense change (SIFT: "Deleterious"; PolyPhen-2: "Probably Damaging"; Align-GVGD: "Class C0"). In summary, the available evidence is currently insufficient to determine the role of this variant in disease. Therefore, it has been classified as a Variant of Uncertain Significance. This sequence change replaces phenylalanine with leucine at codon 593 of the SCN2A protein (p.Phe593Leu). The phenylalanine residue is highly conserved and there is a small physicochemical difference between phenylalanine and leucine. This variant is not present in population databases (ExAC no frequency).

NM_001040142.2(SCN2A):c.1777T>C (p.Phe593Leu)

Gene: SCN2A (sodium voltage-gated channel alpha subunit 2; plus strand). Cytogenetic location: 2q24.3.
Variant type: single nucleotide variant.
Coding change: c.1777T>C on transcript NM_001040142.2 (MANE Select); coding-DNA position 1777, T replaced by C.
Protein change: p.Phe593Leu; replaces phenylalanine 593 with leucine.
Molecular consequence: missense variant.
Genome position (GRCh38, 1-based): chr2:165,323,261, T>C. VCF-style: chr2-165323261-T-C. GRCh37 (hg19) VCF-style: chr2-166179771-T-C.
Other names: c.1777T>C, p.Phe593Leu (NM_001040143.2, NM_001371246.1, NM_001371247.1 and 1 more transcripts); short protein forms F593L.
Identifiers: ClinVar variation 846063 (VCV000846063.11), dbSNP rs1698165274, ClinGen allele CA349026698.